The following is an entry in ClinVar:

NM_001184.4(ATR):c.1159G>A (p.Val387Ile)

Gene: ATR (ATR checkpoint kinase; minus strand). Cytogenetic location: 3q23.
Variant type: single nucleotide variant.
Coding change: c.1159G>A on transcript NM_001184.4 (MANE Select); coding-DNA position 1159, G replaced by A.
Protein change: p.Val387Ile; replaces valine 387 with isoleucine.
Molecular consequence: missense variant.
Genome position (GRCh38, 1-based): chr3:142,562,243, C>T on the plus strand (G>A on the coding strand, the complement: ATR is on the minus strand). VCF-style: chr3-142562243-C-T. GRCh37 (hg19) VCF-style: chr3-142281085-C-T.
Other names: c.1159G>A, p.Val387Ile (NM_001354579.2); short protein forms V387I.
Identifiers: ClinVar variation 2587576 (VCV002587576.2), dbSNP rs2473424987, ClinGen allele CA354823539.

ClinVar aggregate classification (germline): Uncertain significance (1 of 4 stars; one submission).

Conditions:
Inborn genetic diseases. Identifiers: MedGen C0950123, MeSH D030342.

Submission:

Ambry Genetics
Classification: Uncertain significance for Inborn genetic diseases. Last evaluated: 2023-07-27. Review status: criteria provided, single submitter. Criteria: Ambry Variant Classification Scheme 2023. Collection method: clinical testing. Allele origin: germline.
Comment: The p.V387I variant (also known as c.1159G>A), located in coding exon 4 of the ATR gene, results from a G to A substitution at nucleotide position 1159. The valine at codon 387 is replaced by isoleucine, an amino acid with highly similar properties. This amino acid position is conserved. In addition, this alteration is predicted to be tolerated by in silico analysis. Since supporting evidence is limited at this time, the clinical significance of this alteration remains unclear.